The following is an entry in ClinVar:

NM_006885.4(ZFHX3):c.8014G>C (p.Asp2672His)

Genes: ZFHX3 (zinc finger homeobox 3; minus strand), ZFHX3-AS1 (ZFHX3 antisense RNA 1; plus strand). Cytogenetic location: 16q22.2.
Variant type: single nucleotide variant.
Coding change: c.8014G>C on transcript NM_006885.4 (MANE Select); coding-DNA position 8014, G replaced by C.
Protein change: p.Asp2672His; replaces aspartic acid 2672 with histidine.
Molecular consequence: missense variant.
Genome position (GRCh38, 1-based): chr16:72,794,668, C>G on the plus strand (G>C on the coding strand, the complement: ZFHX3 is on the minus strand). VCF-style: chr16-72794668-C-G. GRCh37 (hg19) VCF-style: chr16-72828567-C-G.
Other names: c.5272G>C, p.Asp1758His (NM_001164766.2); c.8014G>C, p.Asp2672His (NM_001386735.1); short protein forms D1758H, D2672H.
Identifiers: ClinVar variation 3899687 (VCV003899687.1).

ClinVar aggregate classification (germline): Uncertain significance (1 of 4 stars; one submission).

Submission:

GeneDx
Classification: Uncertain significance. Last evaluated: 2024-11-13. Review status: criteria provided, single submitter. Criteria: GeneDx Variant Classification Process June 2021. Collection method: clinical testing. Allele origin: germline. Affected: yes.
Comment: Not observed at significant frequency in large population cohorts (gnomAD); In silico analysis supports that this missense variant has a deleterious effect on protein structure/function; Has not been previously published as pathogenic or benign to our knowledge